The following is an entry in ClinVar:

NM_001278293.3(ARL6):c.273T>A (p.Ile91=)

Gene: ARL6 (ARF like GTPase 6; plus strand). Cytogenetic location: 3q11.2.
Variant type: single nucleotide variant.
Coding change: c.273T>A on transcript NM_001278293.3 (MANE Select); coding-DNA position 273, T replaced by A.
Protein change: p.Ile91=; no amino-acid change (isoleucine 91 retained).
Molecular consequence: synonymous variant. On other transcripts: non-coding transcript variant (7).
Genome position (GRCh38, 1-based): chr3:97,784,973, T>A. VCF-style: chr3-97784973-T-A. GRCh37 (hg19) VCF-style: chr3-97503817-T-A.
Other names: c.273T>A, p.Ile91= (NM_001323513.2, NM_001323514.2, NM_032146.5 and 1 more transcripts).
Identifiers: ClinVar variation 3355042 (VCV003355042.1).

ClinVar aggregate classification (germline): Likely benign (0 of 4 stars; one submission).

Conditions:
ARL6-related disorder. Also called: ARL6-related condition.

Submission:

PreventionGenetics, part of Exact Sciences
Classification: Likely benign for ARL6-related condition. Last evaluated: 2021-10-26. Review status: no assertion criteria provided. Collection method: clinical testing. Allele origin: germline.
Comment: This variant is classified as likely benign based on ACMG/AMP sequence variant interpretation guidelines (Richards et al. 2015 PMID: 25741868, with internal and published modifications).